The following is an entry in ClinVar:

NM_017534.6(MYH2):c.222T>C (p.Asp74=)

Genes: MYH2 (myosin heavy chain 2; minus strand), MYHAS (myosin heavy chain gene cluster antisense RNA; plus strand). Cytogenetic location: 17p13.1.
Variant type: single nucleotide variant.
Coding change: c.222T>C on transcript NM_017534.6 (MANE Select); coding-DNA position 222, T replaced by C.
Protein change: p.Asp74=; no amino-acid change (aspartic acid 74 retained).
Molecular consequence: synonymous variant.
Genome position (GRCh38, 1-based): chr17:10,547,601, A>G on the plus strand (T>C on the coding strand, the complement: MYH2 is on the minus strand). VCF-style: chr17-10547601-A-G. GRCh37 (hg19) VCF-style: chr17-10450918-A-G.
Other names: c.222T>C, p.Asp74= (NM_001100112.2).
Identifiers: ClinVar variation 2647479 (VCV002647479.24), dbSNP rs764809852, ClinGen allele CA8391691.

ClinVar aggregate classification (germline): Likely benign (1 of 4 stars; one submission).

Allele frequency attached by ClinVar (database versions not stated): gnomAD exomes below 0.00001; ExAC 0.00001; gnomAD 0.00001.
gnomAD v4.1: 4 of 1,614,094 alleles (0.00025%); highest among the groups gnomAD compares: South Asian, 0.0044%; no homozygotes.

Submission:

CeGaT Center for Human Genetics Tuebingen
Classification: Likely benign. Last evaluated: 2023-01-01. Review status: criteria provided, single submitter. Criteria: CeGaT Center For Human Genetics Tuebingen Variant Classification Criteria Version 2. Collection method: clinical testing. Allele origin: germline. Affected: yes. Observed: 1 variant allele.
Comment: MYH2: BP4, BP7